The following is an entry in ClinVar:

ClinVar aggregate classification (germline): Pathogenic (1 of 4 stars; one submission).

Conditions:
Developmental and epileptic encephalopathy 94 (DEE94). Also called: CHD2-Related Neurodevelopmental Disorders; Epileptic encephalopathy, childhood-onset. Identifiers: Orphanet 1942, Orphanet 2382, MedGen C3809278, MONDO:0014150, OMIM 615369.

Submission:

Labcorp Genetics (formerly Invitae), Labcorp
Classification: Pathogenic for Developmental and epileptic encephalopathy 94. Last evaluated: 2019-12-30. Review status: criteria provided, single submitter. Criteria: Invitae Variant Classification Sherloc (09022015). Collection method: clinical testing. Allele origin: germline.
Comment: For these reasons, this variant has been classified as Pathogenic. Loss-of-function variants in CHD2 are known to be pathogenic (PMID: 23708187, 24207121). Algorithms developed to predict the effect of sequence changes on RNA splicing suggest that this variant may create or strengthen a splice site, but this prediction has not been confirmed by published transcriptional studies. This variant has not been reported in the literature in individuals with CHD2-related conditions. This variant is not present in population databases (ExAC no frequency). This sequence change creates a premature translational stop signal (p.Ser866*) in the CHD2 gene. It is expected to result in an absent or disrupted protein product.

Literature cited by the submitters: PubMed 23708187; PubMed 24207121.

NM_001271.4(CHD2):c.2597C>A (p.Ser866Ter)

Gene: CHD2 (chromodomain helicase DNA binding protein 2; plus strand). Cytogenetic location: 15q26.1.
Variant type: single nucleotide variant.
Coding change: c.2597C>A on transcript NM_001271.4 (MANE Select); coding-DNA position 2597, C replaced by A.
Protein change: p.Ser866Ter; replaces serine 866 with a stop codon.
Molecular consequence: nonsense.
Genome position (GRCh38, 1-based): chr15:92,978,253, C>A. VCF-style: chr15-92978253-C-A. GRCh37 (hg19) VCF-style: chr15-93521483-C-A.
Other names: short protein forms S866*.
Identifiers: ClinVar variation 864750 (VCV000864750.10), dbSNP rs1085308000, ClinGen allele CA393893689.